The following is an entry in ClinVar:

NC_000014.8:g.(?_95556835)_(95557712_?)del

Gene: DICER1 (dicer 1, ribonuclease III; minus strand). Cytogenetic location: 14q32.13.
Variant type: Deletion.
Identifiers: ClinVar variation 3244045 (VCV003244045.1).

ClinVar aggregate classification (germline): Pathogenic (1 of 4 stars; one submission).

Conditions:
DICER1-related tumor predisposition. Also called: DICER1 syndrome; DICER1-related pleuropulmonary blastoma cancer predisposition syndrome. Identifiers: Orphanet 284343, MedGen C3839822, MONDO:0100216.

Submission:

Labcorp Genetics (formerly Invitae), Labcorp
Classification: Pathogenic for DICER1-related tumor predisposition. Last evaluated: 2023-06-14. Review status: criteria provided, single submitter. Criteria: Invitae Variant Classification Sherloc (09022015). Collection method: clinical testing. Allele origin: unknown.
Comment: For these reasons, this variant has been classified as Pathogenic. This variant disrupts a region of the DICER1 protein in which other variant(s) (p.Ser1823Valfs*34) have been determined to be pathogenic (Invitae). This suggests that this is a clinically significant region of the protein, and that variants that disrupt it are likely to be disease-causing. This variant has not been reported in the literature in individuals affected with DICER1-related conditions. This variant is a gross deletion of the genomic region encompassing exon(s) 25-27 of the DICER1 gene, which includes the termination codon. This deletion extends beyond the assayed region for this gene and therefore may encompass additional genes. While this deletion is not anticipated to lead to nonsense mediated decay, it is expected to alter mRNA translation or result in a truncated protein product.